The following is an entry in ClinVar:

ClinVar aggregate classification (germline): Conflicting classifications of pathogenicity. Review status: criteria provided, conflicting classifications (1 of 4 stars). 4 submissions from 4 submitters: Uncertain significance (3); Benign (1). Last evaluated 2026-05-08.

Conditions:
Hereditary cancer-predisposing syndrome. Also called: Tumor predisposition; Hereditary Cancer Syndrome; Neoplastic Syndromes, Hereditary; Hereditary neoplastic syndrome. Identifiers: Orphanet 140162, MedGen C0027672, MeSH D009386, MONDO:0015356.
BAP1-related tumor predisposition syndrome (TPDS1). Also called: Tumor susceptibility linked to germline BAP1 mutations; BAP1 tumor predisposition syndrome; COMMON Syndrome; TUMOR PREDISPOSITION SYNDROME 1. Identifiers: Orphanet 289539, MedGen C3280492, MONDO:0013692, OMIM 614327.

Allele frequency attached by ClinVar (database versions not stated): gnomAD 0.00001; TOPMed 0.00001; gnomAD exomes below 0.00001.

Submissions (4):

Ambry Genetics
Classification: Benign for Hereditary cancer-predisposing syndrome. Last evaluated: 2026-05-08. Review status: criteria provided, single submitter. Criteria: Ambry Variant Classification Scheme 2023. Collection method: clinical testing. Allele origin: germline.

Labcorp Genetics (formerly Invitae), Labcorp
Classification: Uncertain significance for BAP1-related tumor predisposition syndrome. Last evaluated: 2023-10-29. Review status: criteria provided, single submitter. Criteria: Invitae Variant Classification Sherloc (09022015). Collection method: clinical testing. Allele origin: germline.
Comment: This sequence change falls in intron 6 of the BAP1 gene. It does not directly change the encoded amino acid sequence of the BAP1 protein. It affects a nucleotide within the consensus splice site. This variant is not present in population databases (gnomAD no frequency). This variant has not been reported in the literature in individuals affected with BAP1-related conditions. ClinVar contains an entry for this variant (Variation ID: 631263). Variants that disrupt the consensus splice site are a relatively common cause of aberrant splicing (PMID: 17576681, 9536098). Algorithms developed to predict the effect of sequence changes on RNA splicing suggest that this variant is not likely to affect RNA splicing. In summary, the available evidence is currently insufficient to determine the role of this variant in disease. Therefore, it has been classified as a Variant of Uncertain Significance.

Quest Diagnostics Nichols Institute San Juan Capistrano
Classification: Uncertain significance. Last evaluated: 2023-04-17. Review status: criteria provided, single submitter. Criteria: Quest Diagnostics criteria. Collection method: clinical testing. Allele origin: unknown.
Comment: To the best of our knowledge, the variant has not been reported in the published literature. The frequency of this variant in the general population, 0.0000066 (1/152150 chromosomes), is uninformative in assessment of its pathogenicity. Analysis of this variant using software algorithms for the prediction of the effect of nucleotide changes on splicing yielded predictions that this variant does not affect BAP1 mRNA splicing . Based on the available information, we are unable to determine the clinical significance of this variant.

Color Diagnostics, LLC DBA Color Health
Classification: Uncertain significance for Hereditary cancer-predisposing syndrome. Last evaluated: 2019-02-01. Review status: criteria provided, single submitter. Criteria: ACMG Guidelines, 2015. Collection method: clinical testing. Allele origin: germline.

Literature cited by the submitters: PubMed 38969833 (cited by Ambry Genetics); PubMed 17576681 (cited by Labcorp Genetics (formerly Invitae), Labcorp); PubMed 9536098 (cited by Labcorp Genetics (formerly Invitae), Labcorp).

NM_004656.4(BAP1):c.438-3C>T

Gene: BAP1 (BRCA1 associated deubiquitinase 1; minus strand). Cytogenetic location: 3p21.1.
Variant type: single nucleotide variant.
Coding change: c.438-3C>T on transcript NM_004656.4 (MANE Select); 3 bases into the intron before coding-DNA position 438, C replaced by T.
Molecular consequence: intron variant.
Genome position (GRCh38, 1-based): chr3:52,407,319, G>A on the plus strand (C>T on the coding strand, the complement: BAP1 is on the minus strand). VCF-style: chr3-52407319-G-A. GRCh37 (hg19) VCF-style: chr3-52441335-G-A.
Other names: c.438-3C>T (NM_004656.2).
Identifiers: ClinVar variation 631263 (VCV000631263.10), dbSNP rs1240586632, ClinGen allele CA908112342.